The following is an entry in ClinVar:

NM_001277115.2(DNAH11):c.12980T>C (p.Leu4327Ser)

Gene: DNAH11 (dynein axonemal heavy chain 11; plus strand). Cytogenetic location: 7p15.3.
Variant type: single nucleotide variant.
Coding change: c.12980T>C on transcript NM_001277115.2 (MANE Select); coding-DNA position 12980, T replaced by C.
Protein change: p.Leu4327Ser; replaces leucine 4327 with serine.
Molecular consequence: missense variant.
Genome position (GRCh38, 1-based): chr7:21,894,930, T>C. VCF-style: chr7-21894930-T-C. GRCh37 (hg19) VCF-style: chr7-21934548-T-C.
Other names: NM_001277115.2:c.12980T>C; short protein forms L4327S.
Identifiers: ClinVar variation 3776949 (VCV003776949.1).

ClinVar aggregate classification (germline): Uncertain significance (1 of 4 stars; one submission).

Conditions:
Primary ciliary dyskinesia 7. Also called: CILIARY DYSKINESIA, PRIMARY, 7, WITH OR WITHOUT SITUS INVERSUS. Identifiers: Orphanet 244, MedGen C2678473, MONDO:0012748, OMIM 611884.

gnomAD v4.1: 1 of 1,613,988 alleles (0.000062%); highest among the groups gnomAD compares: Non-Finnish European, 0.000085%; no homozygotes.

Submission:

Broad Center for Mendelian Genomics, Broad Institute of MIT and Harvard
Classification: Uncertain significance for Primary ciliary dyskinesia 7. Last evaluated: 2025-02-20. Review status: criteria provided, single submitter. Criteria: ACMG Guidelines, 2015. Collection method: curation. Allele origin: germline. Inheritance: Autosomal recessive inheritance.
Comment: The p.Leu4327Ser variant in DNAH11 has been reported, in the compound heterozygous state, in at least 2 siblings with primary ciliary dyskinesia (Variation ID: 837205; PMID: 22184204), and has been identified in 0.00008% (1/11798888) of European (non-Finnish) chromosomes by the Genome Aggregation Database (gnomAD; dbSNP ID: rs72658826). Although this variant has been seen in the general population in a heterozygous state, its frequency is low enough to be consistent with a recessive carrier frequency. Computational prediction tools and conservation analyses do not provide strong support for or against an impact to the protein. In summary, the clinical significance of the p.Leu4327Ser variant is uncertain. ACMG/AMP Criteria applied: PM3, PM2_supporting (Richards 2015).